The following is an entry in ClinVar:

NM_001040436.3(YARS2):c.*209G>C

Gene: YARS2 (tyrosyl-tRNA synthetase 2; minus strand). Cytogenetic location: 12p11.21.
Variant type: single nucleotide variant.
Coding change: c.*209G>C on transcript NM_001040436.3 (MANE Select); 209 bases downstream of the stop codon, G replaced by C.
Molecular consequence: 3 prime UTR variant.
Genome position (GRCh38, 1-based): chr12:32,746,995, C>G on the plus strand (G>C on the coding strand, the complement: YARS2 is on the minus strand). VCF-style: chr12-32746995-C-G. GRCh37 (hg19) VCF-style: chr12-32899929-C-G.
Identifiers: ClinVar variation 308444 (VCV000308444.10), dbSNP rs10844337, ClinGen allele CA10641037.

ClinVar aggregate classification (germline): Benign/Likely benign. Review status: criteria provided, multiple submitters, no conflicts (2 of 4 stars). 4 submissions from 4 submitters: Benign (3); Likely benign (1). Last evaluated 2021-12-05.

Conditions:
Myopathy, lactic acidosis, and sideroblastic anemia 2 (MLASA2). Identifiers: Orphanet 2598, MedGen C3150802, MONDO:0013307, OMIM 613561.

Allele frequency attached by ClinVar (database versions not stated): gnomAD exomes 0.13623; 1000 Genomes Project 0.14377; 1000 Genomes Project 30x 0.14631; gnomAD 0.15292 and 0.15609; TOPMed 0.15924.
gnomAD v4.1: 76,177 of 537,730 alleles (14%); highest among the groups gnomAD compares: African/African-American, 21%; 5,762 homozygotes.

Submissions (4):

Genome-Nilou Lab
Classification: Benign for Myopathy, lactic acidosis, and sideroblastic anemia 2. Last evaluated: 2021-12-05. Review status: criteria provided, single submitter. Criteria: ACMG Guidelines, 2015. Collection method: clinical testing. Allele origin: germline. Affected: no.

GeneDx
Classification: Benign. Last evaluated: 2018-06-14. Review status: criteria provided, single submitter. Criteria: GeneDx Variant Classification Process June 2021. Collection method: clinical testing. Allele origin: germline. Affected: yes.

Illumina Laboratory Services, Illumina
Classification: Benign for Myopathy, lactic acidosis, and sideroblastic anemia 2. Last evaluated: 2018-01-13. Review status: criteria provided, single submitter. Criteria: ICSL Variant Classification Criteria 13 December 2019. Collection method: clinical testing. Allele origin: germline.
Comment: This variant was observed in the ICSL laboratory as part of a predisposition screen in an ostensibly healthy population. It had not been previously curated by ICSL or reported in the Human Gene Mutation Database (HGMD: prior to June 1st, 2018), and was therefore a candidate for classification through an automated scoring system. Utilizing variant allele frequency, disease prevalence and penetrance estimates, and inheritance mode, an automated score was calculated to assess if this variant is too frequent to cause the disease. Based on the score and internal cut-off values, a variant classified as benign is not then subjected to further curation. The score for this variant resulted in a classification of benign for this disease.

Breakthrough Genomics
Classification: Likely benign. Review status: criteria provided, single submitter. Criteria: ACMG Guidelines, 2015. Collection method: not provided. Allele origin: germline. Inheritance: Autosomal recessive inheritance. Affected: yes.